The following is an entry in ClinVar:

NC_000010.10:g.(?_88469652)_(88492743_?)dup

Gene: LDB3 (LIM domain binding 3; plus strand). Cytogenetic location: 10q23.2.
Variant type: Duplication.
Identifiers: ClinVar variation 3244838 (VCV003244838.1).

ClinVar aggregate classification (germline): Uncertain significance (1 of 4 stars; one submission).

Conditions:
Myofibrillar myopathy 4. Also called: Zaspopathy (type). Identifiers: Orphanet 98912, MedGen C4721886, MONDO:0012277, OMIM 609452.

Submission:

Labcorp Genetics (formerly Invitae), Labcorp
Classification: Uncertain significance for Myofibrillar myopathy 4. Last evaluated: 2022-09-26. Review status: criteria provided, single submitter. Criteria: Invitae Variant Classification Sherloc (09022015). Collection method: clinical testing. Allele origin: unknown.
Comment: This variant has not been reported in the literature in individuals affected with LDB3-related conditions. In summary, the available evidence is currently insufficient to determine the role of this variant in disease. Therefore, it has been classified as a Variant of Uncertain Significance. This variant results in a copy number gain of the genomic region encompassing exons 8-13 of the LDB3 gene. The 5' boundary is likely confined to intron 7. The 3' end of this event is unknown as it extends beyond the assayed region for this gene and therefore may encompass additional genes. As the precise location of this event is unknown, it may be in tandem or it may be located elsewhere in the genome. The LDB3 gene has multiple clinically relevant transcripts. This Gain (Exons 8-13) occurs in alternate transcript NM_007078.2, which is located downstream of the 3'UTR of NM_001080116.1, the primary transcript listed in the Methods.